The following is an entry in ClinVar:

ClinVar aggregate classification (germline): Likely pathogenic. Review status: criteria provided, multiple submitters, no conflicts (2 of 4 stars). 3 submissions from 3 submitters: Likely pathogenic (2). 1 of the submissions does not count toward it. Last evaluated 2024-03-11.

Conditions:
Wilson disease (WND). Also called: Wilson's disease. Identifiers: Orphanet 905, MedGen C0019202, MONDO:0010200, OMIM 277900. Disease mechanism: loss of function.

Submissions (3):

Fulgent Genetics
Classification: Likely pathogenic for Wilson disease. Last evaluated: 2024-03-11. Review status: criteria provided, single submitter. Criteria: ACMG Guidelines, 2015. Collection method: clinical testing. Allele origin: germline.

Labcorp Genetics (formerly Invitae), Labcorp
Classification: Likely pathogenic for Wilson disease. Last evaluated: 2023-01-16. Review status: criteria provided, single submitter. Criteria: Invitae Variant Classification Sherloc (09022015). Collection method: clinical testing. Allele origin: germline.
Comment: In summary, the currently available evidence indicates that the variant is pathogenic, but additional data are needed to prove that conclusively. Therefore, this variant has been classified as Likely Pathogenic. This variant disrupts the p.Gly943 amino acid residue in ATP7B. Other variant(s) that disrupt this residue have been determined to be pathogenic (PMID: 16603785, 27930511). This suggests that this residue is clinically significant, and that variants that disrupt this residue are likely to be disease-causing. Algorithms developed to predict the effect of sequence changes on RNA splicing suggest that this variant may disrupt the consensus splice site. Advanced modeling of protein sequence and biophysical properties (such as structural, functional, and spatial information, amino acid conservation, physicochemical variation, residue mobility, and thermodynamic stability) performed at Invitae indicates that this missense variant is expected to disrupt ATP7B protein function. ClinVar contains an entry for this variant (Variation ID: 558661). This missense change has been observed in individual(s) with Wilson disease (PMID: 16088907). This variant is not present in population databases (gnomAD no frequency). This sequence change replaces glycine, which is neutral and non-polar, with cysteine, which is neutral and slightly polar, at codon 943 of the ATP7B protein (p.Gly943Cys).

Counsyl
Classification: Uncertain significance for Wilson disease. Last evaluated: 2018-06-04. Review status: no assertion criteria provided. Collection method: clinical testing. Allele origin: unknown. Not counted in ClinVar's aggregate classification.

Literature cited by the submitters: PubMed 16603785 (cited by Labcorp Genetics (formerly Invitae), Labcorp); PubMed 27930511 (cited by Labcorp Genetics (formerly Invitae), Labcorp); PubMed 16088907 (cited by Labcorp Genetics (formerly Invitae), Labcorp and Counsyl); PubMed 22692182 (cited by Counsyl).

NM_000053.4(ATP7B):c.2827G>T (p.Gly943Cys)

Gene: ATP7B (ATPase copper transporting beta; minus strand). Cytogenetic location: 13q14.3.
Variant type: single nucleotide variant.
Coding change: c.2827G>T on transcript NM_000053.4 (MANE Select); coding-DNA position 2827, G replaced by T.
Protein change: p.Gly943Cys; replaces glycine 943 with cysteine.
Molecular consequence: missense variant. On other transcripts: intron variant (1).
Genome position (GRCh38, 1-based): chr13:51,949,700, C>A on the plus strand (G>T on the coding strand, the complement: ATP7B is on the minus strand). VCF-style: chr13-51949700-C-A. GRCh37 (hg19) VCF-style: chr13-52523836-C-A.
Other names: c.2494G>T, p.Gly832Cys (NM_001243182.2); c.2593G>T, p.Gly865Cys (NM_001330578.2); c.2575G>T, p.Gly859Cys (NM_001330579.2); c.2244+307G>T (NM_001005918.3); short protein forms G943C, G832C, G865C, G859C.
Identifiers: ClinVar variation 558661 (VCV000558661.6), dbSNP rs28942076, ClinGen allele CA388033415.